The following is an entry in ClinVar:

ClinVar aggregate classification (germline): Uncertain significance. Review status: criteria provided, multiple submitters, no conflicts (2 of 4 stars). 2 submissions from 2 submitters: Uncertain significance (2). Last evaluated 2024-01-19.

gnomAD v4.1: 11 of 765,428 alleles (0.0014%); highest among the groups gnomAD compares: South Asian, 0.0054%; no homozygotes.

Submissions (2):

GeneDx
Classification: Uncertain significance. Last evaluated: 2024-01-19. Review status: criteria provided, single submitter. Criteria: GeneDx Variant Classification Process June 2021. Collection method: clinical testing. Allele origin: germline. Affected: yes.
Comment: Has not been previously published as pathogenic or benign to our knowledge; Located in a loop of the SNORD118 non-coding RNA (PMID: 32359472); This variant is associated with the following publications: (PMID: 32359472)

Labcorp Genetics (formerly Invitae), Labcorp
Classification: Uncertain significance. Last evaluated: 2021-09-15. Review status: criteria provided, single submitter. Criteria: Invitae Variant Classification Sherloc (09022015). Collection method: clinical testing. Allele origin: germline.
Comment: This variant occurs in the SNORD118 gene, which encodes an RNA molecule that does not result in a protein product. This variant is present in population databases (rs117573525, ExAC 0.006%). This variant has not been reported in the literature in individuals affected with SNORD118-related conditions. Experimental studies and prediction algorithms are not available or were not evaluated, and the functional significance of this variant is currently unknown. In summary, the available evidence is currently insufficient to determine the role of this variant in disease. Therefore, it has been classified as a Variant of Uncertain Significance.

NR_033294.2(SNORD118):n.55A>C

Genes: SNORD118 (small nucleolar RNA, C/D box 118; minus strand), TMEM107 (transmembrane protein 107; minus strand). Cytogenetic location: 17p13.1.
Variant type: single nucleotide variant.
Molecular consequence: non-coding transcript variant (on NR_033294.2). On other transcripts: 3 prime UTR variant (5).
Genome position: GRCh38 VCF-style: chr17-8173534-T-G. GRCh37 (hg19) VCF-style: chr17-8076852-T-G.
Other names: c.*669A>C (NM_001351278.2, NM_001351279.2, NM_001351280.2 and 2 more transcripts).
Identifiers: ClinVar variation 1415738 (VCV001415738.4), dbSNP rs117573525, ClinGen allele CA8370720.